The following is an entry in ClinVar:

NM_001267550.2(TTN):c.83560A>G (p.Thr27854Ala)

Genes: TTN (titin; minus strand), TTN-AS1 (TTN antisense RNA 1; plus strand). Cytogenetic location: 2q31.2.
Variant type: single nucleotide variant.
Coding change: c.83560A>G on transcript NM_001267550.2 (MANE Select); coding-DNA position 83560, A replaced by G.
Protein change: p.Thr27854Ala; replaces threonine 27854 with alanine.
Molecular consequence: missense variant.
Genome position (GRCh38, 1-based): chr2:178,562,572, T>C on the plus strand (A>G on the coding strand, the complement: TTN is on the minus strand). VCF-style: chr2-178562572-T-C. GRCh37 (hg19) VCF-style: chr2-179427299-T-C.
Other names: c.75856A>G, p.Thr25286Ala (NM_133378.4); c.78637A>G, p.Thr26213Ala (NM_001256850.1); c.56365A>G, p.Thr18789Ala (NM_003319.4); c.56740A>G, p.Thr18914Ala (NM_133432.3); c.56941A>G, p.Thr18981Ala (NM_133437.4); short protein forms T25286A, T27854A, T18789A, T18914A, T26213A, T18981A.
Identifiers: ClinVar variation 229529 (VCV000229529.5), dbSNP rs876658086, ClinGen allele CA10576473.
Genomic context (GRCh38, chr2:178,562,572, plus strand): 5'-CAACAAGAGTTACTCTTCCAGGTGGGAGGGGTGGTTCAGACACTTTAACGGGTTCTGTTG[T>C]TTCAGCTGGCAAACCAATCCCATATTCATTGGAAGCCAAGACTCGGAAGTAGTAAGAACA-3'
Protein context (NP_001254479.2, residues 27844-27864): NEYGIGLPAE[Thr27854Ala]TEPVKVSEPP

ClinVar aggregate classification (germline): Uncertain significance (1 of 4 stars; one submission).

Allele frequency attached by ClinVar (database versions not stated): gnomAD 0.00001 and 0.00003.
gnomAD v4.1: 1 of 1,610,858 alleles (0.000062%); highest among the groups gnomAD compares: African/African-American, 0.0013%; no homozygotes.

Submission:

Laboratory for Molecular Medicine, Mass General Brigham Personalized Medicine
Classification: Uncertain significance. Last evaluated: 2015-03-04. Review status: criteria provided, single submitter. Criteria: LMM Criteria. Collection method: clinical testing. Allele origin: germline. Observed: 1 variant allele.
Comment: The p.Thr25286Ala variant in TTN has not been previously reported in individuals with cardiomyopathy or in large population studies. Computational prediction to ols and conservation analysis do not provide strong support for or against an im pact to the protein. In summary, the clinical significance of the p.Thr25286Ala variant is uncertain.